The following is an entry in ClinVar:

NM_174936.4(PCSK9):c.792C>T (p.Thr264=)

Gene: PCSK9 (proprotein convertase subtilisin/kexin type 9; plus strand). Cytogenetic location: 1p32.3.
Variant type: single nucleotide variant.
Coding change: c.792C>T on transcript NM_174936.4 (MANE Select); coding-DNA position 792, C replaced by T.
Protein change: p.Thr264=; no amino-acid change (threonine 264 retained).
Molecular consequence: synonymous variant. On other transcripts: non-coding transcript variant (8).
Genome position (GRCh38, 1-based): chr1:55,052,784, C>T. VCF-style: chr1-55052784-C-T. GRCh37 (hg19) VCF-style: chr1-55518457-C-T.
Other names: c.915C>T, p.Thr305= (NM_001407240.1); c.792C>T, p.Thr264= (NM_001407241.1, NM_001407244.1, NM_001407247.1); c.795C>T, p.Thr265= (NM_001407242.1); c.735C>T, p.Thr245= (NM_001407243.1); c.600C>T, p.Thr200= (NM_001407245.1); c.417C>T, p.Thr139= (NM_001407246.1).
Identifiers: ClinVar variation 1655093 (VCV001655093.10), dbSNP rs750429847, ClinGen allele CA044486.
Genomic context (GRCh38, chr1:55,052,784, plus strand): 5'-TGCCAGCATGCGCAGCCTGCGCGTGCTCAACTGCCAAGGGAAGGGCACGGTTAGCGGCAC[C>T]CTCATAGGTAAGTGATGGCCCCAGACGCTGGTCTCTCTCCATCTGGACCTGGCCTGGGAG-3'
Protein context (NP_777596.2, residues 254-274): NCQGKGTVSG[Thr264=]LIGLEFIRKS

ClinVar aggregate classification (germline): Likely benign. Review status: criteria provided, multiple submitters, no conflicts (2 of 4 stars). 2 submissions from 2 submitters: Likely benign (2). Last evaluated 2025-01-10.

Conditions:
Hypercholesterolemia, autosomal dominant, 3 (FHCL3). Also called: Familial Hypercholesterolemia, Autosomal Dominant, 3; PCSK9-Related Familial Hypercholesterolemia, Autosomal Dominant; Familial hypercholesterolemia 3. Identifiers: MedGen C1863551, MONDO:0011369, OMIM 603776.
Familial hypercholesterolemia. Also called: Familial hypercholesterolaemia; Familial hypercholesterolemias. Identifiers: MedGen C0020445, MONDO:0005439.

Allele frequency attached by ClinVar (database versions not stated): gnomAD exomes below 0.00001; ExAC 0.00001.

Submissions (2):

GENinCode PLC
Classification: Likely benign for Familial hypercholesterolemia. Last evaluated: 2025-01-10. Review status: criteria provided, single submitter. Criteria: ACMG Guidelines, 2015. Collection method: clinical testing. Allele origin: germline.
Comment: This is a synonymous (silent) variant that is not predicted to impact splicing and occurs at a nucleotide which is not highly conserved. This variant has been classified as Likely Benign (BP4, BP7).

Labcorp Genetics (formerly Invitae), Labcorp
Classification: Likely benign for Hypercholesterolemia, autosomal dominant, 3. Last evaluated: 2023-10-04. Review status: criteria provided, single submitter. Criteria: Invitae Variant Classification Sherloc (09022015). Collection method: clinical testing. Allele origin: germline.